The following is an entry in ClinVar:

NM_000138.5(FBN1):c.4371C>T (p.Val1457=)

Gene: FBN1 (fibrillin 1; minus strand). Cytogenetic location: 15q21.1.
Variant type: single nucleotide variant.
Coding change: c.4371C>T on transcript NM_000138.5 (MANE Select); coding-DNA position 4371, C replaced by T.
Protein change: p.Val1457=; no amino-acid change (valine 1457 retained).
Molecular consequence: synonymous variant.
Genome position (GRCh38, 1-based): chr15:48,470,722, G>A on the plus strand (C>T on the coding strand, the complement: FBN1 is on the minus strand). VCF-style: chr15-48470722-G-A. GRCh37 (hg19) VCF-style: chr15-48762919-G-A.
Identifiers: ClinVar variation 1615661 (VCV001615661.11), dbSNP rs781641370, ClinGen allele CA490027842.
Genomic context (GRCh38, chr15:48,470,722, plus strand): 5'-TTCGTAGCCTATCTCACACTCACAGCGGAACAGGCCAGGGAGGTTGTGGCAAGTTCCAAA[G>A]ACACAGATGTTCGGAAGGGAGCACTCATCAATATCTTGGGGGGAGGGAGAAAAAAGCAAA-3'
Protein context (NP_000129.3, residues 1447-1467): IDECSLPNIC[Val1457=]FGTCHNLPGL

ClinVar aggregate classification (germline): Likely benign. Review status: criteria provided, multiple submitters, no conflicts (2 of 4 stars). 3 submissions from 3 submitters: Likely benign (3). Last evaluated 2025-03-05.

Conditions:
Marfan syndrome (MFS). Also called: Marfan syndrome, classic; MARFAN SYNDROME, TYPE I; Marfan syndrome type 1; Marfan's syndrome; FBN1-Related Marfan Syndrome. Identifiers: Orphanet 284963, Orphanet 558, MedGen C0024796, MONDO:0007947, OMIM 154700.
Familial thoracic aortic aneurysm and aortic dissection (TAAD). Also called: Thoracic aortic aneurysms and dissections. Identifiers: Orphanet 91387, MedGen C4707243, MONDO:0019625.

Allele frequency attached by ClinVar (database versions not stated): TOPMed 0.00004; gnomAD 0.00004 and 0.00003.
gnomAD v4.1: 11 of 1,613,880 alleles (0.00068%); highest among the groups gnomAD compares: African/African-American, 0.012%; no homozygotes.

Submissions (3):

Labcorp Genetics (formerly Invitae), Labcorp
Classification: Likely benign for Marfan syndrome; Familial thoracic aortic aneurysm and aortic dissection. Last evaluated: 2025-03-05. Review status: criteria provided, single submitter. Criteria: Invitae Variant Classification Sherloc (09022015). Collection method: clinical testing. Allele origin: germline.

All of Us Research Program, National Institutes of Health
Classification: Likely benign for Marfan syndrome. Last evaluated: 2023-11-30. Review status: criteria provided, single submitter. Criteria: ACMG Guidelines, 2015. Collection method: clinical testing. Allele origin: germline. Inheritance: Autosomal dominant inheritance. Observed: 4 variant alleles, 4 heterozygotes.
Comment: This study involves interpretation of variants in research participants for the purpose of population health screening. Participant phenotype was not available at the time of variant classification. Additional details can be found in publication PMID: 35346344, PMCID: PMC8962531

Ambry Genetics
Classification: Likely benign for Familial thoracic aortic aneurysm and aortic dissection. Last evaluated: 2020-09-28. Review status: criteria provided, single submitter. Criteria: Ambry Variant Classification Scheme 2023. Collection method: clinical testing. Allele origin: germline.